The following is an entry in ClinVar:

NM_003673.4(TCAP):c.188G>A (p.Arg63His)

Gene: TCAP (titin-cap; plus strand). Cytogenetic location: 17q12.
Variant type: single nucleotide variant.
Coding change: c.188G>A on transcript NM_003673.4 (MANE Select); coding-DNA position 188, G replaced by A.
Protein change: p.Arg63His; replaces arginine 63 with histidine.
Molecular consequence: missense variant.
Genome position (GRCh38, 1-based): chr17:39,665,793, G>A. VCF-style: chr17-39665793-G-A. GRCh37 (hg19) VCF-style: chr17-37822046-G-A.
Other names: short protein forms R63H.
Identifiers: ClinVar variation 1782047 (VCV001782047.5), dbSNP rs777384494, ClinGen allele CA8532872.

ClinVar aggregate classification (germline): Uncertain significance. Review status: criteria provided, multiple submitters, no conflicts (2 of 4 stars). 2 submissions from 2 submitters: Uncertain significance (2). Last evaluated 2025-09-15.

Conditions:
Cardiovascular phenotype. Identifiers: MedGen CN230736.
Hypertrophic cardiomyopathy 25 (CMH25). Also called: CARDIOMYOPATHY, FAMILIAL HYPERTROPHIC, 25. Identifiers: MedGen C4225408, MONDO:0011843, OMIM 607487.
Primary familial hypertrophic cardiomyopathy (HCM). Identifiers: Orphanet 99739, MedGen C0949658, MeSH D024741, MONDO:0024573. Inheritance: Various modes of inheritance.

Allele frequency attached by ClinVar (database versions not stated): gnomAD exomes 0.00001; ExAC 0.00002.
gnomAD v4.1: 9 of 1,607,342 alleles (0.00056%); highest among the groups gnomAD compares: East Asian, 0.0022%; no homozygotes.

Submissions (2):

Labcorp Genetics (formerly Invitae), Labcorp
Classification: Uncertain significance for Hypertrophic cardiomyopathy 25; Primary familial hypertrophic cardiomyopathy. Last evaluated: 2025-09-15. Review status: criteria provided, single submitter. Criteria: Invitae Variant Classification Sherloc (09022015). Collection method: clinical testing. Allele origin: germline.
Comment: This sequence change replaces arginine, which is basic and polar, with histidine, which is basic and polar, at codon 63 of the TCAP protein (p.Arg63His). This variant is present in population databases (rs777384494, gnomAD 0.003%). This variant has not been reported in the literature in individuals affected with TCAP-related conditions. ClinVar contains an entry for this variant (Variation ID: 1782047). An algorithm developed to predict the effect of missense changes on protein structure and function outputs the following: PolyPhen-2: "Benign". The histidine amino acid residue is found in multiple mammalian species, which suggests that this missense change does not adversely affect protein function. In summary, the available evidence is currently insufficient to determine the role of this variant in disease. Therefore, it has been classified as a Variant of Uncertain Significance.

Ambry Genetics
Classification: Uncertain significance for Cardiovascular phenotype. Last evaluated: 2024-11-18. Review status: criteria provided, single submitter. Criteria: Ambry Variant Classification Scheme 2023. Collection method: clinical testing. Allele origin: germline.
Comment: The p.R63H variant (also known as c.188G>A), located in coding exon 2 of the TCAP gene, results from a G to A substitution at nucleotide position 188. The arginine at codon 63 is replaced by histidine, an amino acid with highly similar properties. This amino acid position is not well conserved in available vertebrate species, and histidine is the reference amino acid in other vertebrate species. In addition, this alteration is predicted to be tolerated by in silico analysis. Since supporting evidence is limited at this time, the clinical significance of this alteration remains unclear.